The following is an entry in ClinVar:

ClinVar aggregate classification (germline): Likely benign (1 of 4 stars; one submission).

Submission:

GeneDx
Classification: Likely benign. Last evaluated: 2020-05-14. Review status: criteria provided, single submitter. Criteria: GeneDx Variant Classification Process June 2021. Collection method: clinical testing. Allele origin: germline. Affected: yes.
Comment: Not observed in large population cohorts (Lek et al., 2016); In silico analysis, which includes protein predictors and evolutionary conservation, supports a deleterious effect; Has not been previously published as pathogenic or benign to our knowledge

NM_001303052.2(MYT1L):c.1937T>C (p.Phe646Ser)

Gene: MYT1L (myelin transcription factor 1 like; minus strand). Cytogenetic location: 2p25.3.
Variant type: single nucleotide variant.
Coding change: c.1937T>C on transcript NM_001303052.2 (MANE Select); coding-DNA position 1937, T replaced by C.
Protein change: p.Phe646Ser; replaces phenylalanine 646 with serine.
Molecular consequence: missense variant.
Genome position (GRCh38, 1-based): chr2:1,903,175, A>G on the plus strand (T>C on the coding strand, the complement: MYT1L is on the minus strand). VCF-style: chr2-1903175-A-G. GRCh37 (hg19) VCF-style: chr2-1906947-A-G.
Other names: c.1937T>C, p.Phe646Ser (NM_001329844.2, NM_001329845.1, NM_001329851.3); c.1931T>C, p.Phe644Ser (NM_001329846.3, NM_001329847.2, NM_001329848.1 and 3 more transcripts); short protein forms F644S, F646S.
Identifiers: ClinVar variation 1186943 (VCV001186943.2), dbSNP rs750635098, ClinGen allele CA345698775.